The following is an entry in ClinVar:

NM_000321.3(RB1):c.1050-2A>G

Gene: RB1 (RB transcriptional corepressor 1; plus strand). Cytogenetic location: 13q14.2.
Variant type: single nucleotide variant.
Coding change: c.1050-2A>G on transcript NM_000321.3 (MANE Select); the canonical splice acceptor site of the intron before coding-DNA position 1050, A replaced by G.
Molecular consequence: splice acceptor variant.
Genome position (GRCh38, 1-based): chr13:48,368,525, A>G. VCF-style: chr13-48368525-A-G. GRCh37 (hg19) VCF-style: chr13-48942661-A-G.
Other names: c.1050-2A>G (NM_000321.2, NM_001407165.1, NM_001407166.1).
Identifiers: ClinVar variation 3236950 (VCV003236950.3), dbSNP rs2138123114.

ClinVar aggregate classification (germline): Pathogenic/Likely pathogenic. Review status: criteria provided, multiple submitters, no conflicts (2 of 4 stars). 3 submissions from 3 submitters: Pathogenic (2); Likely pathogenic (1). Last evaluated 2025-10-21.

Conditions:
Hereditary cancer-predisposing syndrome. Also called: Neoplastic Syndromes, Hereditary; Tumor predisposition; Hereditary neoplastic syndrome; Hereditary Cancer Syndrome. Identifiers: Orphanet 140162, MedGen C0027672, MeSH D009386, MONDO:0015356.
Retinoblastoma (RB1). Also called: RETINOBLASTOMA, SOMATIC. Identifiers: Orphanet 790, MedGen C0035335, MeSH D012175, MONDO:0008380, OMIM 180200, HP:0009919. Disease mechanism: loss of function. Inheritance: Both sporadic and heritable forms are tested..

Submissions (3):

Ambry Genetics
Classification: Pathogenic for Hereditary cancer-predisposing syndrome. Last evaluated: 2025-10-21. Review status: criteria provided, single submitter. Criteria: Ambry Variant Classification Scheme 2023. Collection method: clinical testing. Allele origin: germline.
Comment: The c.1050-2A>G intronic pathogenic mutation results from an A to G substitution two nucleotides upstream from coding exon 11 in the RB1 gene. This variant was reported in individual(s) with features consistent with RB1-related retinoblastoma (Shimizu T et al. Am J Hum Genet. 1994 May;54:793-800; Chai P et al. Exp Eye Res. 2021 Apr;205:108456; Kilic S et al. Curr Issues Mol Biol. 2024 Nov;46:13252-13266). This variant is considered to be rare based on population cohorts in the Genome Aggregation Database (gnomAD). This nucleotide position is well conserved in available vertebrate species. In silico splice site analysis predicts that this alteration will weaken the native splice acceptor site and will result in the creation or strengthening of a novel splice acceptor site. Alterations that disrupt the canonical splice site are expected to cause aberrant splicing, resulting in an abnormal protein or a transcript that is subject to nonsense-mediated mRNA decay. As such, this alteration is classified as a disease-causing mutation.

Genetic Diagnostic Laboratory, University of Pennsylvania School of Medicine
Classification: Pathogenic for Retinoblastoma. Last evaluated: 2024-05-20. Review status: criteria provided, single submitter. Criteria: ACMG Guidelines, 2015. Collection method: clinical testing. Allele origin: germline. Affected: yes. Observed: 2 variant alleles.
Comment: Case and Pedigree Information: BILATERAL CASES:2, UNILATERAL CASES:0, TOTAL CASES:2, PEDIGREES:2. ACMG Codes Applied:PVS1, PM2

GeneDx
Classification: Likely pathogenic. Last evaluated: 2023-12-21. Review status: criteria provided, single submitter. Criteria: GeneDx Variant Classification Process June 2021. Collection method: clinical testing. Allele origin: germline. Affected: yes.
Comment: Canonical splice site variant predicted to result in an in-frame loss of the adjacent exon in a gene for which loss of function is a known mechanism of disease; Not observed at significant frequency in large population cohorts (gnomAD); This variant is associated with the following publications: (PMID: 25525159, 23516486, 33493472, 8178820)

Literature cited by the submitters: PubMed 33493472 (cited by Ambry Genetics); PubMed 39590384 (cited by Ambry Genetics); PubMed 8178820 (cited by Ambry Genetics).